The following is an entry in ClinVar:

NM_000059.4(BRCA2):c.7805+1293G>A

Gene: BRCA2 (BRCA2 DNA repair associated; plus strand). Cytogenetic location: 13q13.1.
Variant type: single nucleotide variant.
Coding change: c.7805+1293G>A on transcript NM_000059.4 (MANE Select); 1293 bases into the intron after coding-DNA position 7805, G replaced by A.
Molecular consequence: intron variant.
Genome position (GRCh38, 1-based): chr13:32,359,222, G>A. VCF-style: chr13-32359222-G-A. GRCh37 (hg19) VCF-style: chr13-32933359-G-A.
Identifiers: ClinVar variation 264875 (VCV000264875.1), dbSNP rs532967407, ClinGen allele CA10588127.
Genomic context (GRCh38, chr13:32,359,222, plus strand): 5'-CAGTGAGCCAAAATTGCACCACTGCACTGCAGCCTGGGCAACAGTGAGACTCCATCTCAA[G>A]AAAAAAAAAAAAAAAAAAAAAGAAAGTTAAATTTGAAATGGCCTTATGGTAGATTCCTCC-3'

ClinVar aggregate classification (germline): Benign (3 of 4 stars; one submission).

Conditions:
Breast-ovarian cancer, familial, susceptibility to, 2 (BROVCA2). Also called: BRCA2 Hereditary Breast and Ovarian Cancer. Identifiers: Orphanet 145, MedGen C2675520, MONDO:0012933, OMIM 612555. Disease mechanism: loss of function.

Allele frequency attached by ClinVar (database versions not stated): gnomAD 0.00867; 1000 Genomes Project 0.94050.
gnomAD v4.1: 887 of 107,286 alleles (0.83%); highest among the groups gnomAD compares: African/African-American, 1.1%; no homozygotes.

Submission:

Evidence-based Network for the Interpretation of Germline Mutant Alleles (ENIGMA)
Classification: Benign for Breast-ovarian cancer, familial, susceptibility to, 2. Last evaluated: 2016-09-28. Review status: reviewed by expert panel. Criteria: ENIGMA BRCA1/2 Classification Criteria (2015). Collection method: curation. Allele origin: germline.
Comment: Class 1 not pathogenic based on frequency >1% in an outbred sampleset. Frequency 0.9205 (European), 0.9743 (African), 0.9611 (Admixed American/Latino), 0.8948 (East Asian), 0.9479 (South Asian), derived from 1000 genomes (2013-05-02).